The following is an entry in ClinVar:

NM_000435.3(NOTCH3):c.3173G>A (p.Gly1058Asp)

Gene: NOTCH3 (notch receptor 3; minus strand). Cytogenetic location: 19p13.12.
Variant type: single nucleotide variant.
Coding change: c.3173G>A on transcript NM_000435.3 (MANE Select); coding-DNA position 3173, G replaced by A.
Protein change: p.Gly1058Asp; replaces glycine 1058 with aspartic acid.
Molecular consequence: missense variant.
Genome position (GRCh38, 1-based): chr19:15,180,226, C>T on the plus strand (G>A on the coding strand, the complement: NOTCH3 is on the minus strand). VCF-style: chr19-15180226-C-T. GRCh37 (hg19) VCF-style: chr19-15291037-C-T.
Other names: short protein forms G1058D.
Identifiers: ClinVar variation 4886131 (VCV004886131.2).

ClinVar aggregate classification (germline): Uncertain significance (1 of 4 stars; one submission).

Submission:

Dasa
Classification: Uncertain significance. Last evaluated: 2025-12-23. Review status: criteria provided, single submitter. Criteria: DASA Assertion Criteria. Collection method: clinical testing. Allele origin: germline.
Comment: NM_000435.3(NOTCH3):c.3173G>A (p.Gly1058Asp) is a missense variant that results in the substitution of glycine with aspartic acid. The affected residue or protein region has prior evidence supporting clinical relevance. This variant is absent from population databases. The currently available literature and clinical evidence are not sufficient to establish a definitive association between this variant and the reported condition. Therefore, this variant is classified as a variant of uncertain significance.